The following is an entry in ClinVar:

ClinVar aggregate classification (germline): Uncertain significance (1 of 4 stars; one submission).

Conditions:
Brugada syndrome 7 (BRGDA7). Identifiers: Orphanet 130, MedGen C2751088, MONDO:0013146, OMIM 613120.

Allele frequency attached by ClinVar (database versions not stated): gnomAD exomes below 0.00001; TOPMed below 0.00001.
gnomAD v4.1: 1 of 1,614,070 alleles (0.000062%); highest among the groups gnomAD compares: Non-Finnish European, 0.000085%; no homozygotes.

Submission:

Labcorp Genetics (formerly Invitae), Labcorp
Classification: Uncertain significance for Brugada syndrome 7. Last evaluated: 2022-04-15. Review status: criteria provided, single submitter. Criteria: Invitae Variant Classification Sherloc (09022015). Collection method: clinical testing. Allele origin: germline.
Comment: In summary, the available evidence is currently insufficient to determine the role of this variant in disease. Therefore, it has been classified as a Variant of Uncertain Significance. Algorithms developed to predict the effect of missense changes on protein structure and function (SIFT, PolyPhen-2, Align-GVGD) all suggest that this variant is likely to be tolerated. This variant has not been reported in the literature in individuals affected with SCN3B-related conditions. This variant is not present in population databases (gnomAD no frequency). This sequence change replaces glutamic acid, which is acidic and polar, with glycine, which is neutral and non-polar, at codon 32 of the SCN3B protein (p.Glu32Gly).

NM_001040151.2(SCN3B):c.95A>G (p.Glu32Gly)

Gene: SCN3B (sodium voltage-gated channel beta subunit 3; minus strand). Cytogenetic location: 11q24.1.
Variant type: single nucleotide variant.
Coding change: c.95A>G on transcript NM_001040151.2 (MANE Select); coding-DNA position 95, A replaced by G.
Protein change: p.Glu32Gly; replaces glutamic acid 32 with glycine.
Molecular consequence: missense variant.
Genome position (GRCh38, 1-based): chr11:123,645,711, T>C on the plus strand (A>G on the coding strand, the complement: SCN3B is on the minus strand). VCF-style: chr11-123645711-T-C. GRCh37 (hg19) VCF-style: chr11-123516419-T-C.
Other names: c.95A>G, p.Glu32Gly (NM_018400.4); short protein forms E32G.
Identifiers: ClinVar variation 1961218 (VCV001961218.5), dbSNP rs1955846739, ClinGen allele CA383073204.